The following is an entry in ClinVar:

ClinVar aggregate classification (germline): Uncertain significance (1 of 4 stars; one submission).

Conditions:
Hereditary cancer-predisposing syndrome. Also called: Hereditary neoplastic syndrome; Hereditary Cancer Syndrome; Neoplastic Syndromes, Hereditary; Tumor predisposition. Identifiers: Orphanet 140162, MedGen C0027672, MeSH D009386, MONDO:0015356.

Submission:

Ambry Genetics
Classification: Uncertain significance for Hereditary cancer-predisposing syndrome. Last evaluated: 2023-05-13. Review status: criteria provided, single submitter. Criteria: Ambry Variant Classification Scheme 2023. Collection method: clinical testing. Allele origin: germline.
Comment: The p.D965G variant (also known as c.2894A>G), located in coding exon 18 of the ATM gene, results from an A to G substitution at nucleotide position 2894. The aspartic acid at codon 965 is replaced by glycine, an amino acid with similar properties. This amino acid position is not well conserved in available vertebrate species. In addition, the in silico prediction for this alteration is inconclusive. Since supporting evidence is limited at this time, the clinical significance of this alteration remains unclear.

NM_000051.4(ATM):c.2894A>G (p.Asp965Gly)

Gene: ATM (ATM serine/threonine kinase; plus strand). Cytogenetic location: 11q22.3.
Variant type: single nucleotide variant.
Coding change: c.2894A>G on transcript NM_000051.4 (MANE Select); coding-DNA position 2894, A replaced by G.
Protein change: p.Asp965Gly; replaces aspartic acid 965 with glycine.
Molecular consequence: missense variant.
Genome position (GRCh38, 1-based): chr11:108,271,119, A>G. VCF-style: chr11-108271119-A-G. GRCh37 (hg19) VCF-style: chr11-108141846-A-G.
Other names: c.2894A>G, p.Asp965Gly (NM_001351834.2); short protein forms D965G.
Identifiers: ClinVar variation 2568208 (VCV002568208.2), dbSNP rs876658628, ClinGen allele CA382546910.